The following is an entry in ClinVar:

NM_000533.5(PLP1):c.340A>G (p.Ser114Gly)

Genes: RAB9B (RAB9B, member RAS oncogene family; minus strand), PLP1 (proteolipid protein 1; plus strand). Cytogenetic location: Xq22.2.
Variant type: single nucleotide variant.
Coding change: c.340A>G on transcript NM_000533.5 (MANE Select); coding-DNA position 340, A replaced by G.
Protein change: p.Ser114Gly; replaces serine 114 with glycine.
Molecular consequence: missense variant.
Genome position (GRCh38, 1-based): chrX:103,786,613, A>G. VCF-style: chrX-103786613-A-G. GRCh37 (hg19) VCF-style: chrX-103041542-A-G.
Other names: c.340A>G, p.Ser114Gly (NM_001128834.3, NM_199478.3); c.175A>G, p.Ser59Gly (NM_001305004.1); short protein forms S59G, S114G.
Identifiers: ClinVar variation 1364640 (VCV001364640.8), dbSNP rs1317908306, ClinGen allele CA414102725.

ClinVar aggregate classification (germline): Uncertain significance (1 of 4 stars; one submission).

Conditions:
Hereditary spastic paraplegia 2 (SPG2). Also called: SPASTIC PARAPLEGIA 2, X-LINKED; Spastic Paraplegia 2 (SPG2). Identifiers: Orphanet 99015, MedGen C0751604, MONDO:0010733, OMIM 312920.

Allele frequency attached by ClinVar (database versions not stated): gnomAD exomes below 0.00001 and 0.00002.
gnomAD v4.1: 3 of 1,211,548 alleles (0.00025%); highest among the groups gnomAD compares: Admixed American, 0.0065%; no homozygotes.

Submission:

Labcorp Genetics (formerly Invitae), Labcorp
Classification: Uncertain significance for Hereditary spastic paraplegia 2. Last evaluated: 2024-01-26. Review status: criteria provided, single submitter. Criteria: Invitae Variant Classification Sherloc (09022015). Collection method: clinical testing. Allele origin: germline.
Comment: This sequence change replaces serine, which is neutral and polar, with glycine, which is neutral and non-polar, at codon 114 of the PLP1 protein (p.Ser114Gly). This variant is present in population databases (no rsID available, gnomAD 0.01%), including at least one homozygous and/or hemizygous individual. This variant has not been reported in the literature in individuals affected with PLP1-related conditions. ClinVar contains an entry for this variant (Variation ID: 1364640). Advanced modeling of protein sequence and biophysical properties (such as structural, functional, and spatial information, amino acid conservation, physicochemical variation, residue mobility, and thermodynamic stability) performed at Invitae indicates that this missense variant is not expected to disrupt PLP1 protein function with a negative predictive value of 80%. In summary, the available evidence is currently insufficient to determine the role of this variant in disease. Therefore, it has been classified as a Variant of Uncertain Significance.